The following is an entry in ClinVar:

NM_001128164.2(ATXN1):c.95C>G (p.Thr32Ser)

Gene: ATXN1 (ataxin 1; minus strand). Cytogenetic location: 6p22.3.
Variant type: single nucleotide variant.
Coding change: c.95C>G on transcript NM_001128164.2 (MANE Select); coding-DNA position 95, C replaced by G.
Protein change: p.Thr32Ser; replaces threonine 32 with serine.
Molecular consequence: missense variant. On other transcripts: nonsense (1).
Genome position (GRCh38, 1-based): chr6:16,328,216, G>C on the plus strand (C>G on the coding strand, the complement: ATXN1 is on the minus strand). VCF-style: chr6-16328216-G-C. GRCh37 (hg19) VCF-style: chr6-16328447-G-C.
Other names: c.95C>G, p.Thr32Ser (NM_000332.4); c.66C>G, p.Tyr22Ter (NM_001357857.2); short protein forms T32S, Y22*.
Identifiers: ClinVar variation 1049708 (VCV001049708.27), dbSNP rs150375774, ClinGen allele CA3645719.
Genomic context (GRCh38, chr6:16,328,216, plus strand): 5'-CCACCAGGGTTGCCCGGGAGCCATGCTGTGCCCTCCACCCGGTGGTTGTCGCTGGGCAGG[G>C]TAGGGGCCTTCTCCTCGGAGGACCGGCTGGTGGCGGGGATCTCGCGCTTCTTGGGAGGCA-3'
Protein context (NP_001121636.1, residues 22-42): TSRSSEEKAP[Thr32Ser]LPSDNHRVEG

ClinVar aggregate classification (germline): Benign/Likely benign. Review status: criteria provided, multiple submitters, no conflicts (2 of 4 stars). 3 submissions from 3 submitters: Benign (1); Likely benign (1). 1 of the submissions does not count toward it. Last evaluated 2024-11-07.

Allele frequency attached by ClinVar (database versions not stated): 1000 Genomes Project 0.00060; 1000 Genomes Project 30x 0.00062; gnomAD 0.00157 and 0.00173; TOPMed 0.00181; ESP Exome Variant Server 0.00192.
gnomAD v4.1: 719 of 1,591,818 alleles (0.045%); highest among the groups gnomAD compares: African/African-American, 0.48%; 2 homozygotes.

Submissions (3):

Blueprint Genetics
Classification: Likely benign. Last evaluated: 2024-11-07. Review status: criteria provided, single submitter. Criteria: ACMG Guidelines, 2015. Collection method: clinical testing. Allele origin: germline.

CeGaT Center for Human Genetics Tuebingen
Classification: Benign. Last evaluated: 2022-09-01. Review status: criteria provided, single submitter. Criteria: CeGaT Center For Human Genetics Tuebingen Variant Classification Criteria Version 2. Collection method: clinical testing. Allele origin: germline. Affected: yes. Observed: 1 variant allele.
Comment: ATXN1: BS1, BS2

Department of Pathology and Laboratory Medicine, Sinai Health System
Classification: Likely benign. Review status: no assertion criteria provided. Collection method: clinical testing. Allele origin: unknown. Affected: yes. Study: The Canadian Open Genetics Repository (COGR). Not counted in ClinVar's aggregate classification.
Comment: The ATXN1 p.Thr32Ser variant was not identified in the literature nor was it identified in ClinVar or LOVD 3.0. The variant was identified in dbSNP (ID: rs150375774) and in control databases in 201 of 267866 chromosomes at a frequency of 0.0007504 increasing the likelihood this could be a low frequency benign variant (Genome Aggregation Database March 6, 2019, v2.1.1). The variant was observed in the following populations: Ashkenazi Jewish in 49 of 9038 chromosomes (freq: 0.005422), African in 113 of 24436 chromosomes (freq: 0.004624), Other in 6 of 6780 chromosomes (freq: 0.000885), Latino in 13 of 32742 chromosomes (freq: 0.000397) and European (non-Finnish) in 20 of 122964 chromosomes (freq: 0.000163), but was not observed in the East Asian, European (Finnish), and South Asian populations. The p.Thr32 residue is not conserved in mammals and computational analyses (PolyPhen-2, SIFT, AlignGVGD, BLOSUM, MutationTaster) do not suggest a high likelihood of impact to the protein; however, this information is not predictive enough to rule out pathogenicity. The variant occurs outside of the splicing consensus sequence and 2 of 4 in silico or computational prediction software programs (SpliceSiteFinder, MaxEntScan, NNSPLICE, GeneSplicer) predict a greater than 10% difference in splicing; this is not very predictive of pathogenicity. In summary, based on the above information the clinical significance of this variant cannot be determined with certainty at this time although we would lean towards a more benign role for this variant. This variant is classified as likely benign.